The following is an entry in ClinVar:

NM_001128178.3(NPHP1):c.923G>A (p.Arg308Lys)

Gene: NPHP1 (nephrocystin 1; minus strand). Cytogenetic location: 2q13.
Variant type: single nucleotide variant.
Coding change: c.923G>A on transcript NM_001128178.3 (MANE Select); coding-DNA position 923, G replaced by A.
Protein change: p.Arg308Lys; replaces arginine 308 with lysine.
Molecular consequence: missense variant.
Genome position (GRCh38, 1-based): chr2:110,161,634, C>T on the plus strand (G>A on the coding strand, the complement: NPHP1 is on the minus strand). VCF-style: chr2-110161634-C-T. GRCh37 (hg19) VCF-style: chr2-110919211-C-T.
Other names: c.1091G>A, p.Arg364Lys (NM_000272.5); c.734G>A, p.Arg245Lys (NM_001128179.3); c.920G>A, p.Arg307Lys (NM_001374256.1); c.923G>A, p.Arg308Lys (NM_001374257.1); c.1088G>A, p.Arg363Lys (NM_207181.4); short protein forms R245K, R307K, R308K, R363K, R364K.
Identifiers: ClinVar variation 3348014 (VCV003348014.2).

ClinVar aggregate classification (germline): Uncertain significance (1 of 4 stars; one submission).

Conditions:
NPHP1-related disorder. Also called: NPHP1-related disorders; NPHP1-related condition.

gnomAD v4.1: 2 of 1,612,678 alleles (0.00012%); highest among the groups gnomAD compares: Non-Finnish European, 0.00017%; no homozygotes.

Submission:

PreventionGenetics, part of Exact Sciences
Classification: Uncertain significance for NPHP1-related condition. Last evaluated: 2026-07-20. Review status: criteria provided, single submitter. Criteria: ACMG Guidelines, 2015. Collection method: clinical testing. Allele origin: germline.
Comment: The NPHP1 c.1091G>A variant is predicted to result in the amino acid substitution p.Arg364Lys. To our knowledge, this variant has not been reported in the literature or in a large population database, indicating this variant is rare. At this time, the clinical significance of this variant is uncertain due to the absence of conclusive functional and genetic evidence.